The following is an entry in ClinVar:

NM_001105206.3(LAMA4):c.4679G>A (p.Arg1560Gln)

Gene: LAMA4 (laminin subunit alpha 4; minus strand). Cytogenetic location: 6q21.
Variant type: single nucleotide variant.
Coding change: c.4679G>A on transcript NM_001105206.3 (MANE Select); coding-DNA position 4679, G replaced by A.
Protein change: p.Arg1560Gln; replaces arginine 1560 with glutamine.
Molecular consequence: missense variant.
Genome position (GRCh38, 1-based): chr6:112,119,298, C>T on the plus strand (G>A on the coding strand, the complement: LAMA4 is on the minus strand). VCF-style: chr6-112119298-C-T. GRCh37 (hg19) VCF-style: chr6-112440501-C-T.
Other names: c.4658G>A, p.Arg1553Gln (NM_001105207.3, NM_002290.5); short protein forms R1553Q, R1560Q.
Identifiers: ClinVar variation 44394 (VCV000044394.15), dbSNP rs397516732, ClinGen allele CA134049.

ClinVar aggregate classification (germline): Conflicting classifications of pathogenicity. Review status: criteria provided, conflicting classifications (1 of 4 stars). 6 submissions from 6 submitters: Uncertain significance (5); Likely benign (1). Last evaluated 2026-05-24.

Conditions:
Cardiovascular phenotype. Identifiers: MedGen CN230736.
Dilated cardiomyopathy 1JJ (CMD1JJ). Identifiers: Orphanet 154, MedGen C3808935, MONDO:0014095, OMIM 615235.

Allele frequency attached by ClinVar (database versions not stated): TOPMed 0.00007; gnomAD 0.00006 and 0.00005.
gnomAD v4.1: 28 of 1,613,768 alleles (0.0017%); highest among the groups gnomAD compares: African/African-American, 0.02%; no homozygotes.

Submissions (6):

Women's Health and Genetics/Laboratory Corporation of America, LabCorp
Classification: Likely benign. Last evaluated: 2026-05-24. Review status: criteria provided, single submitter. Criteria: LabCorp Variant Classification Summary - May 2015. Collection method: clinical testing. Allele origin: germline.

GeneDx
Classification: Uncertain significance. Last evaluated: 2025-07-15. Review status: criteria provided, single submitter. Criteria: GeneDx Variant Classification Process June 2021. Collection method: clinical testing. Allele origin: germline. Affected: yes.
Comment: In silico analysis suggests that this missense variant does not alter protein structure/function; Has not been previously published as pathogenic or benign to our knowledge

Labcorp Genetics (formerly Invitae), Labcorp
Classification: Uncertain significance for Dilated cardiomyopathy 1JJ. Last evaluated: 2025-06-18. Review status: criteria provided, single submitter. Criteria: Invitae Variant Classification Sherloc (09022015). Collection method: clinical testing. Allele origin: germline.
Comment: This sequence change replaces arginine, which is basic and polar, with glutamine, which is neutral and polar, at codon 1553 of the LAMA4 protein (p.Arg1553Gln). This variant is present in population databases (rs397516732, gnomAD 0.02%). This variant has not been reported in the literature in individuals affected with LAMA4-related conditions. ClinVar contains an entry for this variant (Variation ID: 44394). Invitae Evidence Modeling of protein sequence and biophysical properties (such as structural, functional, and spatial information, amino acid conservation, physicochemical variation, residue mobility, and thermodynamic stability) indicates that this missense variant is not expected to disrupt LAMA4 protein function with a negative predictive value of 80%. In summary, the available evidence is currently insufficient to determine the role of this variant in disease. Therefore, it has been classified as a Variant of Uncertain Significance.

Ambry Genetics
Classification: Uncertain significance for Cardiovascular phenotype. Last evaluated: 2024-03-18. Review status: criteria provided, single submitter. Criteria: Ambry Variant Classification Scheme 2023. Collection method: clinical testing. Allele origin: germline.

Fulgent Genetics
Classification: Uncertain significance for Dilated cardiomyopathy 1JJ. Last evaluated: 2021-08-26. Review status: criteria provided, single submitter. Criteria: ACMG Guidelines, 2015. Collection method: clinical testing. Allele origin: unknown.

Laboratory for Molecular Medicine, Mass General Brigham Personalized Medicine
Classification: Uncertain significance. Last evaluated: 2012-10-25. Review status: criteria provided, single submitter. Criteria: LMM Criteria. Collection method: clinical testing. Allele origin: germline. Observed: 1 variant allele.
Comment: The Arg1553Gln variant in LAMA4 has not been reported in the literature nor prev iously identified by our laboratory. Computational analyses (biochemical amino a cid properties, conservation, AlignGVGD, PolyPhen2, and SIFT) do not provide str ong support for or against an impact to the protein. In summary, additional info rmation is needed to fully assess the clinical significance of this variant.